The following is an entry in ClinVar:

ClinVar aggregate classification (germline): Uncertain significance (1 of 4 stars; one submission).

Conditions:
Atrioventricular septal defect 5 (AVSD5). Identifiers: MedGen C3280939, MONDO:0013769, OMIM 614474.

Allele frequency attached by ClinVar (database versions not stated): TOPMed below 0.00001.
gnomAD v4.1: 2 of 1,149,560 alleles (0.00017%); highest among the groups gnomAD compares: Non-Finnish European, 0.00021%; no homozygotes.

Submission:

Labcorp Genetics (formerly Invitae), Labcorp
Classification: Uncertain significance for Atrioventricular septal defect 5. Last evaluated: 2026-01-07. Review status: criteria provided, single submitter. Criteria: Invitae Variant Classification Sherloc (09022015). Collection method: clinical testing. Allele origin: germline.
Comment: This sequence change replaces alanine, which is neutral and non-polar, with valine, which is neutral and non-polar, at codon 247 of the GATA6 protein (p.Ala247Val). The frequency data for this variant in the population databases is considered unreliable, as metrics indicate insufficient coverage at this position in the gnomAD database. This variant has not been reported in the literature in individuals affected with GATA6-related conditions. ClinVar contains an entry for this variant (Variation ID: 2154046). Invitae Evidence Modeling of protein sequence and biophysical properties (such as structural, functional, and spatial information, amino acid conservation, physicochemical variation, residue mobility, and thermodynamic stability) indicates that this missense variant is not expected to disrupt GATA6 protein function with a negative predictive value of 80%. In summary, the available evidence is currently insufficient to determine the role of this variant in disease. Therefore, it has been classified as a Variant of Uncertain Significance.

NM_005257.6(GATA6):c.740C>T (p.Ala247Val)

Gene: GATA6 (GATA binding protein 6; plus strand). Cytogenetic location: 18q11.2.
Variant type: single nucleotide variant.
Coding change: c.740C>T on transcript NM_005257.6 (MANE Select); coding-DNA position 740, C replaced by T.
Protein change: p.Ala247Val; replaces alanine 247 with valine.
Molecular consequence: missense variant.
Genome position (GRCh38, 1-based): chr18:22,171,884, C>T. VCF-style: chr18-22171884-C-T. GRCh37 (hg19) VCF-style: chr18-19751845-C-T.
Other names: short protein forms A247V.
Identifiers: ClinVar variation 2154046 (VCV002154046.4), dbSNP rs2033055492, ClinGen allele CA401800610.
Genomic context (GRCh38, chr18:22,171,884, plus strand): 5'-AGGCCTCGGCCGACAGCCCTCCATACGGCAGCGGAGGCGGCGCGGCTGGCGGCGGGGCCG[C>T]GGGGCCTGGCGGCGCTGGCTCAGCCGCGGCGCACGTCTCGGCGCGCTTCCCCTACTCTCC-3'
Protein context (NP_005248.2, residues 237-257): SGGGAAGGGA[Ala247Val]GPGGAGSAAA